The following is an entry in ClinVar:

ClinVar aggregate classification (germline): Likely pathogenic (1 of 4 stars; one submission).

Submission:

Labcorp Genetics (formerly Invitae), Labcorp
Classification: Likely pathogenic. Last evaluated: 2019-05-29. Review status: criteria provided, single submitter. Criteria: Invitae Variant Classification Sherloc (09022015). Collection method: clinical testing. Allele origin: germline.
Comment: This variant has not been reported in the literature in individuals with MSH3-related conditions. This sequence change affects a donor splice site in intron 8 of the MSH3 gene. It is expected to disrupt RNA splicing and likely results in an absent or disrupted protein product. This variant is not present in population databases (ExAC no frequency). Donor and acceptor splice site variants typically lead to a loss of protein function (PMID: 16199547), and loss-of-function variants in MSH3 are known to be pathogenic (PMID: 27476653). In summary, the currently available evidence indicates that the variant is pathogenic, but additional data are needed to prove that conclusively. Therefore, this variant has been classified as Likely Pathogenic.

Literature cited by the submitters: PubMed 16199547; PubMed 27476653.

NM_002439.5(MSH3):c.1340+1G>C

Gene: MSH3 (mutS homolog 3; plus strand). Cytogenetic location: 5q14.1.
Variant type: single nucleotide variant.
Coding change: c.1340+1G>C on transcript NM_002439.5 (MANE Select); the canonical splice donor site of the intron after coding-DNA position 1340, G replaced by C.
Molecular consequence: splice donor variant.
Genome position (GRCh38, 1-based): chr5:80,679,094, G>C. VCF-style: chr5-80679094-G-C. GRCh37 (hg19) VCF-style: chr5-79974913-G-C.
Identifiers: ClinVar variation 941942 (VCV000941942.8), dbSNP rs1749909196, ClinGen allele CA360269155.